The following is an entry in ClinVar:

NM_032638.5(GATA2):c.393TGGAGGCCC[1] (p.132GGP[1])

Gene: GATA2 (GATA binding protein 2; minus strand). Cytogenetic location: 3q21.3.
Variant type: Microsatellite.
Coding change: c.393TGGAGGCCC[1] on transcript NM_032638.5 (MANE Select); one copy of the 9-base unit TGGAGGCCC starting at c.393; the reference has two copies in a row; one copy, 9 bases deleted.
Protein change: p.132GGP[1].
Molecular consequence: inframe deletion.
Genome position (GRCh38, 1-based): chr3:128,486,188-128,486,196, GGGCCTCCA deleted on the plus strand (TGGAGGCCC on the coding strand, the reverse complement: GATA2 is on the minus strand); deleting any 9 consecutive bases within chr3:128,486,188-128,486,206 gives the same sequence; the position shown is the placement nearest the transcript's 3' end. VCF-style (leftmost placement, unchanged base first): chr3-128486187-TGGGCCTCCA-T. GRCh37 (hg19) VCF-style: chr3-128205030-TGGGCCTCCA-T.
Other names: c.402_410delTGGAGGCCC (NM_032638.4); c.393TGGAGGCCC[1], p.132GGP[1] (NM_001145661.2, NM_001145662.1).
Identifiers: ClinVar variation 996088 (VCV000996088.8), dbSNP rs2068696512, ClinGen allele CA1400719446.

ClinVar aggregate classification (germline): Uncertain significance. Review status: criteria provided, multiple submitters, no conflicts (2 of 4 stars). 3 submissions from 3 submitters: Uncertain significance (3). Last evaluated 2025-11-26.

Conditions:
Inborn genetic diseases. Identifiers: MedGen C0950123, MeSH D030342.
Monocytopenia with susceptibility to infections. Also called: Dendritic cell, monocyte, B lymphocyte, and natural killer lymphocyte deficiency; MONOCYTOPENIA AND MYCOBACTERIAL INFECTION SYNDROME; MONOCYTOPENIA WITH SUSCEPTIBILITY TO MYCOBACTERIAL, FUNGAL, AND PAPILLOMAVIRUS INFECTIONS AND MYELODYSPLASIA; COMBINED IMMUNODEFICIENCY WITH SUSCEPTIBILITY TO MYCOBACTERIAL, VIRAL, AND FUNGAL INFECTIONS; IMMUNODEFICIENCY 21; GATA2 DEFICIENCY. Identifiers: Orphanet 228423, MedGen C3280030, MONDO:0013607, OMIM 614172.
Deafness-lymphedema-leukemia syndrome. Also called: Lymphedema, primary, with myelodysplasia; Emberger syndrome. Identifiers: Orphanet 3226, MedGen C3279664, MONDO:0013540, OMIM 614038.

Submissions (3):

Ambry Genetics
Classification: Uncertain significance for Inborn genetic diseases. Last evaluated: 2025-11-26. Review status: criteria provided, single submitter. Criteria: Ambry Variant Classification Scheme 2023. Collection method: clinical testing. Allele origin: germline.
Comment: The c.402_410delTGGAGGCCC variant (also known as p.G135_P137del) is located in coding exon 2 of the GATA2 gene. This variant results from an in-frame TGGAGGCCC deletion at nucleotide positions 402 to 410. This results in the in-frame deletion of 3 amino acids (GGP) at codon 135. This amino acid region is well conserved in available vertebrate species. In addition, this variant is predicted to be neutral by in silico analysis (Choi Y et al. PLoS ONE. 2012; 7(10):e46688). Based on the available evidence, the clinical significance of this variant remains unclear.

Labcorp Genetics (formerly Invitae), Labcorp
Classification: Uncertain significance for Monocytopenia with susceptibility to infections; Deafness-lymphedema-leukemia syndrome. Last evaluated: 2024-06-12. Review status: criteria provided, single submitter. Criteria: Invitae Variant Classification Sherloc (09022015). Collection method: clinical testing. Allele origin: germline.
Comment: This variant, c.402_410del, results in the deletion of 3 amino acid(s) of the GATA2 protein (p.Gly135_Pro137del), but otherwise preserves the integrity of the reading frame. This variant is not present in population databases (gnomAD no frequency). This variant has not been reported in the literature in individuals affected with GATA2-related conditions. ClinVar contains an entry for this variant (Variation ID: 996088). Experimental studies and prediction algorithms are not available or were not evaluated, and the functional significance of this variant is currently unknown. In summary, the available evidence is currently insufficient to determine the role of this variant in disease. Therefore, it has been classified as a Variant of Uncertain Significance.

Johns Hopkins Genomics, Johns Hopkins University
Classification: Uncertain significance. Last evaluated: 2021-01-25. Review status: criteria provided, single submitter. Criteria: ACMG Guidelines, 2015. Collection method: clinical testing. Allele origin: germline.
Comment: This in-frame deletion is absent from a large population dataset and has not been reported in ClinVar nor the literature, to our knowledge. One bioinformatic tool queried predicts that this in-frame deletion would be tolerated. We consider the clinical significance of c.402_410del to be uncertain at this time.